The following is an entry in ClinVar:

ClinVar aggregate classification (germline): Uncertain significance (1 of 4 stars; one submission).

Conditions:
RPGRIP1L-related disorder. Also called: RPGRIP1L-related disorders; RPGRIP1L-related condition. Identifiers: MedGen CN239416.

gnomAD v4.1: 16 of 1,614,110 alleles (0.00099%); highest among the groups gnomAD compares: Non-Finnish European, 0.0014%; no homozygotes.

Submission:

PreventionGenetics, part of Exact Sciences
Classification: Uncertain significance for RPGRIP1L-related condition. Last evaluated: 2026-08-06. Review status: criteria provided, single submitter. Criteria: ACMG Guidelines, 2015. Collection method: clinical testing. Allele origin: germline.
Comment: The RPGRIP1L c.2402A>C variant is predicted to result in the amino acid substitution p.His801Pro. To our knowledge, this variant has not been reported in the literature. This variant is reported in 0.00088% of alleles in individuals of European (Non-Finnish) descent in gnomAD. At this time, the clinical significance of this variant is uncertain due to the absence of conclusive functional and genetic evidence.

NM_015272.5(RPGRIP1L):c.2402A>C (p.His801Pro)

Gene: RPGRIP1L (RPGRIP1 like; minus strand). Cytogenetic location: 16q12.2.
Variant type: single nucleotide variant.
Coding change: c.2402A>C on transcript NM_015272.5 (MANE Select); coding-DNA position 2402, A replaced by C.
Protein change: p.His801Pro; replaces histidine 801 with proline.
Molecular consequence: missense variant.
Genome position (GRCh38, 1-based): chr16:53,645,906, T>G on the plus strand (A>C on the coding strand, the complement: RPGRIP1L is on the minus strand). VCF-style: chr16-53645906-T-G. GRCh37 (hg19) VCF-style: chr16-53679818-T-G.
Other names: c.2402A>C, p.His801Pro (NM_001127897.4, NM_001308334.3, NM_001330538.2); short protein forms H801P.
Identifiers: ClinVar variation 4993069 (VCV004993069.1).
Genomic context (GRCh38, chr16:53,645,906, plus strand): 5'-TCAAAAAACTTGTACACAACATATGGGTGTGGCTGCAGGTGGCTTGCTCGGGACTGCAGG[T>G]GGTTGCAACATCTTATTGTAATGTGAAGTTCATTTAAGTTGCCATCTGTGGAATCTGTAG-3'
Protein context (NP_056087.2, residues 791-811): ELHITIRCCN[His801Pro]LQSRASHLQP